The following is an entry in ClinVar:

NM_004958.4(MTOR):c.2998G>A (p.Val1000Ile)

Gene: MTOR (mechanistic target of rapamycin kinase; minus strand). Cytogenetic location: 1p36.22.
Variant type: single nucleotide variant.
Coding change: c.2998G>A on transcript NM_004958.4 (MANE Select); coding-DNA position 2998, G replaced by A.
Protein change: p.Val1000Ile; replaces valine 1000 with isoleucine.
Molecular consequence: missense variant.
Genome position (GRCh38, 1-based): chr1:11,228,700, C>T on the plus strand (G>A on the coding strand, the complement: MTOR is on the minus strand). VCF-style: chr1-11228700-C-T. GRCh37 (hg19) VCF-style: chr1-11288757-C-T.
Other names: c.2998G>A, p.Val1000Ile (NM_001386500.1); c.1750G>A, p.Val584Ile (NM_001386501.1); short protein forms V1000I, V584I.
Identifiers: ClinVar variation 3605916 (VCV003605916.3).

ClinVar aggregate classification (germline): Uncertain significance. Review status: criteria provided, multiple submitters, no conflicts (2 of 4 stars). 2 submissions from 2 submitters: Uncertain significance (2). Last evaluated 2024-08-11.

gnomAD v4.1: 1 of 1,614,072 alleles (0.000062%); no homozygotes.

Submissions (2):

Labcorp Genetics (formerly Invitae), Labcorp
Classification: Uncertain significance. Last evaluated: 2024-08-11. Review status: criteria provided, single submitter. Criteria: Invitae Variant Classification Sherloc (09022015). Collection method: clinical testing. Allele origin: germline.
Comment: This sequence change replaces valine, which is neutral and non-polar, with isoleucine, which is neutral and non-polar, at codon 1000 of the MTOR protein (p.Val1000Ile). This variant is not present in population databases (gnomAD no frequency). This variant has not been reported in the literature in individuals affected with MTOR-related conditions. Advanced modeling of protein sequence and biophysical properties (such as structural, functional, and spatial information, amino acid conservation, physicochemical variation, residue mobility, and thermodynamic stability) performed at Invitae indicates that this missense variant is not expected to disrupt MTOR protein function with a negative predictive value of 95%. In summary, the available evidence is currently insufficient to determine the role of this variant in disease. Therefore, it has been classified as a Variant of Uncertain Significance.

Blueprint Genetics
Classification: Uncertain significance. Last evaluated: 2022-03-09. Review status: criteria provided, single submitter. Criteria: ACMG Guidelines, 2015. Collection method: clinical testing. Allele origin: germline.